The following is an entry in ClinVar:

ClinVar aggregate classification (germline): Uncertain significance (1 of 4 stars; one submission).

Conditions:
Charcot-Marie-Tooth disease axonal type 2O. Also called: CHARCOT-MARIE-TOOTH NEUROPATHY, AXONAL, TYPE 2O; CHARCOT-MARIE-TOOTH DISEASE, AXONAL, AUTOSOMAL DOMINANT, TYPE 2O; Charcot-Marie-Tooth Neuropathy Type 2O; Charcot-Marie-Tooth disease, axonal, type 20. Identifiers: Orphanet 284232, MedGen C3280220, MONDO:0013644, OMIM 614228.

Allele frequency attached by ClinVar (database versions not stated): ESP Exome Variant Server 0.00008; gnomAD exomes 0.00001; ExAC 0.00002.
gnomAD v4.1: 3 of 1,614,116 alleles (0.00019%); highest among the groups gnomAD compares: Non-Finnish European, 0.00025%; no homozygotes.

Submission:

Labcorp Genetics (formerly Invitae), Labcorp
Classification: Uncertain significance for Charcot-Marie-Tooth disease axonal type 2O. Last evaluated: 2022-11-04. Review status: criteria provided, single submitter. Criteria: Invitae Variant Classification Sherloc (09022015). Collection method: clinical testing. Allele origin: germline.
Comment: This variant is present in population databases (rs145876293, gnomAD 0.003%). This sequence change replaces leucine, which is neutral and non-polar, with valine, which is neutral and non-polar, at codon 2744 of the DYNC1H1 protein (p.Leu2744Val). This variant has not been reported in the literature in individuals affected with DYNC1H1-related conditions. Algorithms developed to predict the effect of missense changes on protein structure and function (SIFT, PolyPhen-2, Align-GVGD) all suggest that this variant is likely to be disruptive. Algorithms developed to predict the effect of sequence changes on RNA splicing suggest that this variant may disrupt the consensus splice site. In summary, the available evidence is currently insufficient to determine the role of this variant in disease. Therefore, it has been classified as a Variant of Uncertain Significance.

NM_001376.5(DYNC1H1):c.8230C>G (p.Leu2744Val)

Gene: DYNC1H1 (dynein cytoplasmic 1 heavy chain 1; plus strand). Cytogenetic location: 14q32.31.
Variant type: single nucleotide variant.
Coding change: c.8230C>G on transcript NM_001376.5 (MANE Select); coding-DNA position 8230, C replaced by G.
Protein change: p.Leu2744Val; replaces leucine 2744 with valine.
Molecular consequence: missense variant.
Genome position (GRCh38, 1-based): chr14:102,018,503, C>G. VCF-style: chr14-102018503-C-G. GRCh37 (hg19) VCF-style: chr14-102484840-C-G.
Other names: short protein forms L2744V.
Identifiers: ClinVar variation 2812096 (VCV002812096.3), dbSNP rs145876293, ClinGen allele CA7352979.
Genomic context (GRCh38, chr14:102,018,503, plus strand): 5'-GTGCACAGGTTCCTGCGCCACGTGCCTGTCGTGTATGTGGATTACCCGGGCCCCGCCTCC[C>G]TCACACAGATCTACGGCACCTTCAACCGCGCCATGCTGAGGCTCATTCCATCCCTGCGGA-3'
Protein context (NP_001367.2, residues 2734-2754): VYVDYPGPAS[Leu2744Val]TQIYGTFNRA